The following is an entry in ClinVar:

ClinVar aggregate classification (germline): Pathogenic/Likely pathogenic. Review status: criteria provided, multiple submitters, no conflicts (2 of 4 stars). 5 submissions from 5 submitters: Pathogenic (3); Likely pathogenic (2). Last evaluated 2023-03-10.
ClinVar aggregate classification (somatic clinical impact): Tier II - Potential (1 of 4 stars; one submission).

Conditions:
RASopathy. Also called: Noonan spectrum disorder; rasopathies. Identifiers: Orphanet 536391, MedGen C5555857, MONDO:0021060.
Noonan syndrome 5 (NS5). Also called: RAF1-Related Noonan Syndrome. Identifiers: Orphanet 648, MedGen C1969057, MONDO:0012690, OMIM 611553. Disease mechanism: gain of function.
Germinomatous germ cell tumor. Identifiers: MedGen C4054897, MONDO:0020580.

Submissions (6):

Institute for Genomic Medicine (IGM) Clinical Laboratory, Nationwide Children's Hospital
Classification: Tier II - Potential for Germinomatous germ cell tumor. Assertion type: diagnostic. Clinical significance: supports diagnosis. Last evaluated: 2023-04-06. Review status: criteria provided, single submitter. Criteria: AMP/ASCO/CAP Guidelines, 2017. Collection method: clinical testing. Allele origin: somatic. Affected: yes.
Comment: Variant has Tier II (potential) clinical significance as a diagnostic inclusion criterion in germinomatous germ cell tumor, based on the following evidence: 1) Documented in one or more cancer databases (e.g., St. Jude Pecan, COSMIC, CIViC, OncoKB). 2) Information in the literature supports potential biologic effect of variant (PMIDs: 21784453, 19020799, 17603483, 20052757, 31030682). 3) Diagnostic significance based on multiple small studies (Evidence Level C; PMIDs: 24452629, 24896186, 27391150).

GeneDx
Classification: Pathogenic. Last evaluated: 2023-03-10. Review status: criteria provided, single submitter. Criteria: GeneDx Variant Classification Process June 2021. Collection method: clinical testing. Allele origin: germline. Affected: yes.
Comment: Not observed at significant frequency in large population cohorts (gnomAD); Missense variants in this gene are often considered pathogenic (HGMD); In silico analysis supports that this missense variant has a deleterious effect on protein structure/function; This variant is associated with the following publications: (PMID: 34930662, 29237689, Stupkov2019[CaseReport], 31324109, 19020799, 29493581, 17603482, 17603483, 15520807, 9689060, 24957944, 31030682)

Mayo Clinic Laboratories, Mayo Clinic
Classification: Likely pathogenic. Last evaluated: 2022-04-14. Review status: criteria provided, single submitter. Criteria: ACMG Guidelines, 2015. Collection method: clinical testing. Allele origin: germline. Observed: 1 variant allele.
Comment: PM1, PM2_supporting, PM5, PS4_moderate

Baylor Genetics
Classification: Pathogenic for Noonan syndrome 5. Last evaluated: 2022-01-27. Review status: criteria provided, single submitter. Criteria: ACMG Guidelines, 2015. Collection method: clinical testing. Allele origin: unknown.

Labcorp Genetics (formerly Invitae), Labcorp
Classification: Pathogenic for RASopathy. Last evaluated: 2021-08-03. Review status: criteria provided, single submitter. Criteria: Invitae Variant Classification Sherloc (09022015). Collection method: clinical testing. Allele origin: germline.
Comment: Advanced modeling of protein sequence and biophysical properties (such as structural, functional, and spatial information, amino acid conservation, physicochemical variation, residue mobility, and thermodynamic stability) performed at Invitae indicates that this missense variant is expected to disrupt RAF1 protein function. ClinVar contains an entry for this variant (Variation ID: 40602). This variant has been observed in individual(s) with clinical features of RAF1-related conditions (Invitae). In at least one individual the variant was observed to be de novo. This variant is not present in population databases (ExAC no frequency). This sequence change replaces serine with cysteine at codon 259 of the RAF1 protein (p.Ser259Cys). The serine residue is highly conserved and there is a moderate physicochemical difference between serine and cysteine. This variant disrupts the p.Ser259 amino acid residue in RAF1. Other variant(s) that disrupt this residue have been determined to be pathogenic (PMID: 17603483, 20052757, 22465605, 23321623). This suggests that this residue is clinically significant, and that variants that disrupt this residue are likely to be disease-causing. For these reasons, this variant has been classified as Pathogenic.

HudsonAlpha Institute for Biotechnology
Classification: Likely pathogenic for Noonan syndrome 5. Last evaluated: 2019-04-08. Review status: criteria provided, single submitter. Criteria: ACMG Guidelines, 2015. Collection method: research. Allele origin: unknown. Affected: yes. Observed: 1 variant allele. Study: CSER-SouthSeq.
Comment: ACMG codes: PM1, PM2, PP3, PP4, PP5

Literature cited by the submitters: PubMed 21784453 (cited by Institute for Genomic Medicine (IGM) Clinical Laboratory, Nationwide Children's Hospital); PubMed 19020799 (cited by Institute for Genomic Medicine (IGM) Clinical Laboratory, Nationwide Children's Hospital); PubMed 17603483 (cited by Institute for Genomic Medicine (IGM) Clinical Laboratory, Nationwide Children's Hospital and Labcorp Genetics (formerly Invitae), Labcorp); PubMed 20052757 (cited by Institute for Genomic Medicine (IGM) Clinical Laboratory, Nationwide Children's Hospital and Labcorp Genetics (formerly Invitae), Labcorp); PubMed 31030682 (cited by Institute for Genomic Medicine (IGM) Clinical Laboratory, Nationwide Children's Hospital); PubMed 24452629 (cited by Institute for Genomic Medicine (IGM) Clinical Laboratory, Nationwide Children's Hospital); PubMed 24896186 (cited by Institute for Genomic Medicine (IGM) Clinical Laboratory, Nationwide Children's Hospital); PubMed 27391150 (cited by Institute for Genomic Medicine (IGM) Clinical Laboratory, Nationwide Children's Hospital); PubMed 22465605 (cited by Labcorp Genetics (formerly Invitae), Labcorp); PubMed 23321623 (cited by Labcorp Genetics (formerly Invitae), Labcorp).

NM_002880.4(RAF1):c.776C>G (p.Ser259Cys)

Gene: RAF1 (Raf-1 proto-oncogene, serine/threonine kinase; minus strand). Cytogenetic location: 3p25.2.
Variant type: single nucleotide variant.
Coding change: c.776C>G on transcript NM_002880.4 (MANE Select); coding-DNA position 776, C replaced by G.
Protein change: p.Ser259Cys; replaces serine 259 with cysteine.
Molecular consequence: missense variant. On other transcripts: non-coding transcript variant (3).
Genome position (GRCh38, 1-based): chr3:12,604,194, G>C on the plus strand (C>G on the coding strand, the complement: RAF1 is on the minus strand). VCF-style: chr3-12604194-G-C. GRCh37 (hg19) VCF-style: chr3-12645693-G-C.
Other names: p.S259C:TCC>TGC; p.Ser259Cys; c.776C>G, p.Ser259Cys (NM_001354689.3, NM_001354690.3); c.533C>G, p.Ser178Cys (NM_001354691.3, NM_001354692.3, NM_001354694.3); c.677C>G, p.Ser226Cys (NM_001354693.3); c.434C>G, p.Ser145Cys (NM_001354695.3); short protein forms S259C, S178C, S145C, S226C.
Identifiers: ClinVar variation 40602 (VCV000040602.18), dbSNP rs397516827, ClinGen allele CA297115.